The following is an entry in ClinVar:

NM_145239.3(PRRT2):c.191_207dup (p.Glu70fs)

Genes: MVP-DT (MVP divergent transcript; minus strand), PRRT2 (proline rich transmembrane protein 2; plus strand). Cytogenetic location: 16p11.2.
Variant type: Duplication.
Coding change: c.191_207dup on transcript NM_145239.3 (MANE Select); coding-DNA positions 191 to 207, 17 bases duplicated (AGGCTGGGCTGGCTCCA).
Protein change: p.Glu70fs; shifts the reading frame from glutamic acid 70.
Molecular consequence: frameshift variant.
Genome position (GRCh38, 1-based): chr16:29,813,245-29,813,261, AGGCTGGGCTGGCTCCA duplicated; duplicating any 17 consecutive bases within chr16:29,813,242-29,813,261 gives the same sequence; the c. name uses the placement nearest the transcript's 3' end. VCF-style (leftmost placement, unchanged base first): chr16-29813241-C-CCCAAGGCTGGGCTGGCT. GRCh37 (hg19) VCF-style: chr16-29824562-C-CCCAAGGCTGGGCTGGCT.
Other names: c.191_207dupAGGCTGGGCTGGCTCCA (NM_145239.2); c.191_207dup, p.Glu70fs (NM_001256442.2, NM_001256443.2); short protein forms E70fs.
Identifiers: ClinVar variation 280549 (VCV000280549.2), dbSNP rs886041735, ClinGen allele CA10603377.

ClinVar aggregate classification (germline): Pathogenic (1 of 4 stars; one submission).

Submission:

GeneDx
Classification: Pathogenic. Last evaluated: 2016-05-13. Review status: criteria provided, single submitter. Criteria: GeneDx Variant Classification (06012015). Collection method: clinical testing. Allele origin: germline. Affected: yes.
Comment: The c.191_207dup17 pathogenic variant in the PRRT2 gene causes a frameshift starting with codon Glutamic acid 70, changes this amino acid to a Arginine residue and creates a premature Stop codon at position 26 of the new reading frame, denoted p.E70RfsX26. This pathogenic variant is predicted to cause loss of normal protein function either through protein truncation or nonsense-mediated mRNA decay. It was not observed in approximately 6,500 individuals of European and African American ancestry in the NHLBI Exome Sequencing Project, indicating it is not a common benign variant in these populations. Although this pathogenic variant has not been previously reported to our knowledge, other frameshift variants have been reported in Human Gene Mutation Database in association with PRRT2-related disorders (Stenson et al., 2014).